The following is an entry in ClinVar:

ClinVar aggregate classification (germline): Uncertain significance. Review status: criteria provided, multiple submitters, no conflicts (2 of 4 stars). 3 submissions from 3 submitters: Uncertain significance (2). 1 of the submissions does not count toward it. Last evaluated 2024-04-30.

Conditions:
Early-infantile DEE. Also called: Ohtahara syndrome; Early infantile epileptic encephalopathy; Early infantile epileptic encephalopathy with suppression bursts. Identifiers: Orphanet 1934, MedGen C0393706, MONDO:0800491.

Allele frequency attached by ClinVar (database versions not stated): gnomAD exomes 0.00001 and 0.00002; TOPMed 0.00001.
gnomAD v4.1: 26 of 1,613,980 alleles (0.0016%); highest among the groups gnomAD compares: Non-Finnish European, 0.0022%; no homozygotes.

Submissions (3):

Labcorp Genetics (formerly Invitae), Labcorp
Classification: Uncertain significance for Early-infantile DEE. Last evaluated: 2024-04-30. Review status: criteria provided, single submitter. Criteria: Invitae Variant Classification Sherloc (09022015). Collection method: clinical testing. Allele origin: germline.
Comment: This sequence change replaces proline, which is neutral and non-polar, with histidine, which is basic and polar, at codon 11 of the SCN1A protein (p.Pro11His). This variant is present in population databases (no rsID available, gnomAD 0.002%). This missense change has been observed in individual(s) with clinical features of SCN1A-related conditions (Invitae). ClinVar contains an entry for this variant (Variation ID: 639016). Advanced modeling of protein sequence and biophysical properties (such as structural, functional, and spatial information, amino acid conservation, physicochemical variation, residue mobility, and thermodynamic stability) performed at Invitae indicates that this missense variant is expected to disrupt SCN1A protein function with a positive predictive value of 95%. In summary, the available evidence is currently insufficient to determine the role of this variant in disease. Therefore, it has been classified as a Variant of Uncertain Significance.

Blueprint Genetics
Classification: Uncertain significance. Last evaluated: 2020-01-30. Review status: criteria provided, single submitter. Criteria: ACMG Guidelines, 2015. Collection method: clinical testing. Allele origin: germline.

Department of Pathology and Laboratory Medicine, Sinai Health System
Classification: Uncertain significance. Review status: no assertion criteria provided. Collection method: clinical testing. Allele origin: unknown. Affected: yes. Study: The Canadian Open Genetics Repository (COGR). Not counted in ClinVar's aggregate classification.
Comment: The SCN1A p.Pro11His variant was not identified in the literature nor was it identified in ClinVar. The variant was identified in dbSNP (ID: rs1350460260) and LOVD 3.0 (classified as a VUS twice and likely benign once). The variant was identified in control databases in 2 of 251398 chromosomes at a frequency of 0.000008 (Genome Aggregation Database March 6, 2019, v2.1.1). The variant was observed in the European (non-Finnish) population in 2 of 113700 chromosomes (freq: 0.000018), but was not observed in the African, Latino, Ashkenazi Jewish, East Asian, European (Finnish), Other and South Asian populations. The variant occurs outside of the splicing consensus sequence and in silico or computational prediction software programs (SpliceSiteFinder, MaxEntScan, NNSPLICE, GeneSplicer) do not predict a difference in splicing. The p.Pro11 residue is conserved in mammals but not in more distantly related organisms, and four out of five computational analyses (PolyPhen-2, SIFT, AlignGVGD, BLOSUM, MutationTaster) suggest that the variant may impact the protein; however, this information is not predictive enough to assume pathogenicity. In summary, based on the above information the clinical significance of this variant cannot be determined with certainty at this time. This variant is classified as a variant of uncertain significance.

NM_001165963.4(SCN1A):c.32C>A (p.Pro11His)

Gene: SCN1A (sodium voltage-gated channel alpha subunit 1; minus strand). Cytogenetic location: 2q24.3.
Variant type: single nucleotide variant.
Coding change: c.32C>A on transcript NM_001165963.4 (MANE Select); coding-DNA position 32, C replaced by A.
Protein change: p.Pro11His; replaces proline 11 with histidine.
Molecular consequence: missense variant. On other transcripts: 5 prime UTR variant (1), non-coding transcript variant (1).
Genome position (GRCh38, 1-based): chr2:166,073,590, G>T on the plus strand (C>A on the coding strand, the complement: SCN1A is on the minus strand). VCF-style: chr2-166073590-G-T. GRCh37 (hg19) VCF-style: chr2-166930100-G-T.
Other names: c.32C>A, p.Pro11His (NM_001165964.3, NM_001202435.3, NM_001353948.2 and 10 more transcripts); c.-2394C>A (NM_001353961.2); short protein forms P11H.
Identifiers: ClinVar variation 639016 (VCV000639016.9), dbSNP rs1350460260, ClinGen allele CA349243456.